The following is an entry in ClinVar:

NM_000069.3(CACNA1S):c.4441+22dup

Gene: CACNA1S (calcium voltage-gated channel subunit alpha1 S; minus strand). Cytogenetic location: 1q32.1.
Variant type: Duplication.
Coding change: c.4441+22dup on transcript NM_000069.3 (MANE Select); 22 bases into the intron after coding-DNA position 4441, one base duplicated (A; older notation c.4441+22dupA).
Molecular consequence: intron variant.
Genome position (GRCh38, 1-based): chr1:201,048,560, T duplicated on the plus strand (A on the coding strand, the reverse complement: CACNA1S is on the minus strand). VCF-style (leftmost placement, unchanged base first): chr1-201048559-C-CT. GRCh37 (hg19) VCF-style: chr1-201017687-C-CT.
Identifiers: ClinVar variation 670374 (VCV000670374.1), dbSNP rs35713982, ClinGen allele CA1321793.

ClinVar aggregate classification (germline): Benign (1 of 4 stars; one submission).

Allele frequency attached by ClinVar (database versions not stated): gnomAD exomes 0.12414 and 0.12426; ExAC 0.12852; 1000 Genomes Project 0.14956; 1000 Genomes Project 30x 0.15287; gnomAD 0.16806 and 0.17375; TOPMed 0.17405; ESP Exome Variant Server 0.17979.

Submission:

GeneDx
Classification: Benign. Last evaluated: 2018-06-19. Review status: criteria provided, single submitter. Criteria: GeneDx Variant Classification (06012015). Collection method: clinical testing. Allele origin: germline. Affected: yes.
Comment: This variant is considered likely benign or benign based on one or more of the following criteria: it is a conservative change, it occurs at a poorly conserved position in the protein, it is predicted to be benign by multiple in silico algorithms, and/or has population frequency not consistent with disease.